The following is an entry in ClinVar:

ClinVar aggregate classification (germline): Uncertain significance (1 of 4 stars; one submission).

Conditions:
Bethlem myopathy 1A. Also called: MYOPATHY, BENIGN CONGENITAL, WITH CONTRACTURES; Bethlem myopathy 1; Bethlem Muscular Dystrophy. Identifiers: Orphanet 610, MedGen CN029274, MONDO:0024530, OMIM 158810.

gnomAD v4.1: 24 of 1,614,050 alleles (0.0015%); highest among the groups gnomAD compares: Non-Finnish European, 0.002%; no homozygotes.

Submission:

Labcorp Genetics (formerly Invitae), Labcorp
Classification: Uncertain significance for Bethlem myopathy 1A. Last evaluated: 2025-08-28. Review status: criteria provided, single submitter. Criteria: Invitae Variant Classification Sherloc (09022015). Collection method: clinical testing. Allele origin: germline.
Comment: This sequence change replaces leucine, which is neutral and non-polar, with phenylalanine, which is neutral and non-polar, at codon 296 of the COL6A3 protein (p.Leu296Phe). This variant is present in population databases (no rsID available, gnomAD 0.0009%). This variant has not been reported in the literature in individuals affected with COL6A3-related conditions. Invitae Evidence Modeling of protein sequence and biophysical properties (such as structural, functional, and spatial information, amino acid conservation, physicochemical variation, residue mobility, and thermodynamic stability) indicates that this missense variant is not expected to disrupt COL6A3 protein function with a negative predictive value of 95%. In summary, the available evidence is currently insufficient to determine the role of this variant in disease. Therefore, it has been classified as a Variant of Uncertain Significance.

NM_004369.4(COL6A3):c.888G>C (p.Leu296Phe)

Gene: COL6A3 (collagen type VI alpha 3 chain; minus strand). Cytogenetic location: 2q37.3.
Variant type: single nucleotide variant.
Coding change: c.888G>C on transcript NM_004369.4 (MANE Select); coding-DNA position 888, G replaced by C.
Protein change: p.Leu296Phe; replaces leucine 296 with phenylalanine.
Molecular consequence: missense variant. On other transcripts: intron variant (2).
Genome position (GRCh38, 1-based): chr2:237,388,006, C>G on the plus strand (G>C on the coding strand, the complement: COL6A3 is on the minus strand). VCF-style: chr2-237388006-C-G. GRCh37 (hg19) VCF-style: chr2-238296649-C-G.
Other names: c.270G>C, p.Leu90Phe (NM_057167.4, NM_057165.5); c.92-6507G>C (NM_057166.5, NM_057164.5); short protein forms L296F, L90F.
Identifiers: ClinVar variation 4692748 (VCV004692748.1).
Genomic context (GRCh38, chr2:237,388,006, plus strand): 5'-ACCAGCAAACCCGAGGGCTTTCACTGCACCCAGAACCTGGGCCTTGGTGGAGTAGGTGTC[C>G]AAGGAGAACATGGTTCTGGGCTCATCGCTAAACTGGACCACCCCCACTCGGATCTGCTGA-3'
Protein context (NP_004360.2, residues 286-306): FSDEPRTMFS[Leu296Phe]DTYSTKAQVL